The following is an entry in ClinVar:

ClinVar aggregate classification (germline): Uncertain significance. Review status: criteria provided, multiple submitters, no conflicts (2 of 4 stars). 2 submissions from 2 submitters: Uncertain significance (2). Last evaluated 2024-03-20.

Conditions:
Inborn genetic diseases. Identifiers: MedGen C0950123, MeSH D030342.

Allele frequency attached by ClinVar (database versions not stated): gnomAD exomes 0.00001; ExAC 0.00003; gnomAD 0.00003; ESP Exome Variant Server 0.00008.
gnomAD v4.1: 40 of 1,613,226 alleles (0.0025%); highest among the groups gnomAD compares: East Asian, 0.018%; no homozygotes.

Submissions (2):

Ambry Genetics
Classification: Uncertain significance for Inborn genetic diseases. Last evaluated: 2024-03-20. Review status: criteria provided, single submitter. Criteria: Ambry Variant Classification Scheme 2023. Collection method: clinical testing. Allele origin: germline.

Women's Health and Genetics/Laboratory Corporation of America, LabCorp
Classification: Uncertain significance. Last evaluated: 2022-12-08. Review status: criteria provided, single submitter. Criteria: LabCorp Variant Classification Summary - May 2015. Collection method: clinical testing. Allele origin: germline.
Comment: Variant summary: ALX1 c.149T>C (p.Val50Ala) results in a non-conservative amino acid change in the encoded protein sequence. Three of five in-silico tools predict a benign effect of the variant on protein function. The variant allele was found at a frequency of 4.4e-05 in 251060 control chromosomes (gnomAD). This frequency is not significantly higher than expected for a pathogenic variant in ALX1 causing Frontonasal Dysplasia, Severe Microphthalmia, Severe Facial Clefting Syndrome (4.4e-05 vs ND), allowing no conclusion about variant significance. To our knowledge, no occurrence of c.149T>C in individuals affected with Frontonasal Dysplasia, Severe Microphthalmia, Severe Facial Clefting Syndrome and no experimental evidence demonstrating its impact on protein function have been reported. No clinical diagnostic laboratories have submitted clinical-significance assessments for this variant to ClinVar after 2014. Based on the evidence outlined above, the variant was classified as uncertain significance.

NM_006982.3(ALX1):c.149T>C (p.Val50Ala)

Genes: ALX1 (ALX homeobox 1; plus strand), LOC124629423 (Sharpr-MPRA regulatory region 79; plus strand). Cytogenetic location: 12q21.31.
Variant type: single nucleotide variant.
Coding change: c.149T>C on transcript NM_006982.3 (MANE Select); coding-DNA position 149, T replaced by C.
Protein change: p.Val50Ala; replaces valine 50 with alanine.
Molecular consequence: missense variant.
Genome position (GRCh38, 1-based): chr12:85,280,410, T>C. VCF-style: chr12-85280410-T-C. GRCh37 (hg19) VCF-style: chr12-85674188-T-C.
Other names: short protein forms V50A.
Identifiers: ClinVar variation 1878256 (VCV001878256.2), dbSNP rs150692244, ClinGen allele CA6709445.